The following is an entry in ClinVar:

ClinVar aggregate classification (germline): Uncertain significance (1 of 4 stars; one submission).

Submission:

Labcorp Genetics (formerly Invitae), Labcorp
Classification: Uncertain significance. Last evaluated: 2021-03-24. Review status: criteria provided, single submitter. Criteria: Invitae Variant Classification Sherloc (09022015). Collection method: clinical testing. Allele origin: germline.
Comment: This variant disrupts the p.Arg4192 amino acid residue in USH2A. Other variant(s) that disrupt this residue have been determined to be pathogenic (PMID: 29912909, 27157150, 23940504). This suggests that this residue is clinically significant, and that variants that disrupt this residue are likely to be disease-causing. Algorithms developed to predict the effect of missense changes on protein structure and function (SIFT, PolyPhen-2, Align-GVGD) all suggest that this variant is likely to be disruptive, but these predictions have not been confirmed by published functional studies and their clinical significance is uncertain. This variant has been observed in individual(s) with clinical features of retinitis pigmentosa (PMID: Invitae). In summary, the available evidence is currently insufficient to determine the role of this variant in disease. Therefore, it has been classified as a Variant of Uncertain Significance. This variant is not present in population databases (ExAC no frequency). This sequence change replaces arginine with leucine at codon 4192 of the USH2A protein (p.Arg4192Leu). The arginine residue is highly conserved and there is a moderate physicochemical difference between arginine and leucine.

Literature cited by the submitters: PubMed 29912909; PubMed 27157150; PubMed 23940504.

NM_206933.4(USH2A):c.12575G>T (p.Arg4192Leu)

Gene: USH2A (usherin; minus strand). Cytogenetic location: 1q41.
Variant type: single nucleotide variant.
Coding change: c.12575G>T on transcript NM_206933.4 (MANE Select); coding-DNA position 12575, G replaced by T.
Protein change: p.Arg4192Leu; replaces arginine 4192 with leucine.
Molecular consequence: missense variant.
Genome position (GRCh38, 1-based): chr1:215,675,336, C>A on the plus strand (G>T on the coding strand, the complement: USH2A is on the minus strand). VCF-style: chr1-215675336-C-A. GRCh37 (hg19) VCF-style: chr1-215848678-C-A.
Other names: short protein forms R4192L.
Identifiers: ClinVar variation 1468078 (VCV001468078.8), dbSNP rs199605265, ClinGen allele CA344850590.